The following is an entry in ClinVar:

ClinVar aggregate classification (germline): Uncertain significance. Review status: criteria provided, multiple submitters, no conflicts (2 of 4 stars). 3 submissions from 3 submitters: Uncertain significance (3). Last evaluated 2024-06-28.

Conditions:
Inborn genetic diseases. Identifiers: MedGen C0950123, MeSH D030342.
Ehlers-Danlos syndrome, dermatosparaxis type. Also called: Dermatosparaxis; EDS VIIC; Ehlers-Danlos syndrome, type VII, autosomal recessive. Identifiers: Orphanet 1901, MedGen C2700425, MONDO:0009161, OMIM 225410.

Allele frequency attached by ClinVar (database versions not stated): TOPMed below 0.00001; gnomAD 0.00001; gnomAD exomes 0.00002; ExAC 0.00007.
gnomAD v4.1: 33 of 1,581,714 alleles (0.0021%); highest among the groups gnomAD compares: East Asian, 0.011%; no homozygotes.

Submissions (3):

Mayo Clinic Laboratories, Mayo Clinic
Classification: Uncertain significance. Last evaluated: 2024-06-28. Review status: criteria provided, single submitter. Criteria: ACMG Guidelines, 2015. Collection method: clinical testing. Allele origin: germline. Observed: 1 variant allele.

Ambry Genetics
Classification: Uncertain significance for Inborn genetic diseases. Last evaluated: 2024-01-16. Review status: criteria provided, single submitter. Criteria: Ambry Variant Classification Scheme 2023. Collection method: clinical testing. Allele origin: germline.

Baylor Genetics
Classification: Uncertain significance for Ehlers-Danlos syndrome, dermatosparaxis type. Last evaluated: 2019-01-23. Review status: criteria provided, single submitter. Criteria: ACMG Guidelines, 2015. Collection method: clinical testing. Allele origin: maternal. Affected: yes.
Comment: This variant was determined to be of uncertain significance according to ACMG Guidelines, 2015 [PMID:25741868].

NM_014244.5(ADAMTS2):c.1288C>T (p.Arg430Trp)

Gene: ADAMTS2 (ADAM metallopeptidase with thrombospondin type 1 motif 2; minus strand). Cytogenetic location: 5q35.3.
Variant type: single nucleotide variant.
Coding change: c.1288C>T on transcript NM_014244.5 (MANE Select); coding-DNA position 1288, C replaced by T.
Protein change: p.Arg430Trp; replaces arginine 430 with tryptophan.
Molecular consequence: missense variant.
Genome position (GRCh38, 1-based): chr5:179,154,143, G>A on the plus strand (C>T on the coding strand, the complement: ADAMTS2 is on the minus strand). VCF-style: chr5-179154143-G-A. GRCh37 (hg19) VCF-style: chr5-178581144-G-A.
Other names: p.Arg430Trp; c.1288C>T, p.Arg430Trp (NM_021599.4); short protein forms R430W.
Identifiers: ClinVar variation 1030310 (VCV001030310.3), dbSNP rs761498949, ClinGen allele CA3595971.